The following is an entry in ClinVar:

ClinVar aggregate classification (germline): Conflicting classifications of pathogenicity. Review status: criteria provided, conflicting classifications (1 of 4 stars). 2 submissions from 2 submitters: Uncertain significance (1); Likely benign (1). Last evaluated 2025-01-27.

Conditions:
Hereditary cancer-predisposing syndrome. Also called: Neoplastic Syndromes, Hereditary; Tumor predisposition; Hereditary Cancer Syndrome; Hereditary neoplastic syndrome. Identifiers: Orphanet 140162, MedGen C0027672, MeSH D009386, MONDO:0015356.
Microcephaly, normal intelligence and immunodeficiency (NBS). Also called: Nijmegen breakage syndrome; Immunodeficiency, microcephaly with normal intelligence; SEEMANOVA SYNDROME II; Microcephaly with normal intelligence immunodeficiency and lymphoreticular malignancies; Nonsyndromal microcephaly autosomal recessive with normal intelligence; Seemanova syndrome 2. Identifiers: Orphanet 647, MedGen C0398791, MONDO:0009623, OMIM 251260.

Allele frequency attached by ClinVar (database versions not stated): TOPMed 0.00001.
gnomAD v4.1: 2 of 1,613,566 alleles (0.00012%); highest among the groups gnomAD compares: Non-Finnish European, 0.00017%; no homozygotes.

Submissions (2):

Labcorp Genetics (formerly Invitae), Labcorp
Classification: Uncertain significance for Microcephaly, normal intelligence and immunodeficiency. Last evaluated: 2025-01-27. Review status: criteria provided, single submitter. Criteria: Invitae Variant Classification Sherloc (09022015). Collection method: clinical testing. Allele origin: germline.
Comment: This sequence change replaces alanine, which is neutral and non-polar, with valine, which is neutral and non-polar, at codon 557 of the NBN protein (p.Ala557Val). This variant is not present in population databases (gnomAD no frequency). This variant has not been reported in the literature in individuals affected with NBN-related conditions. ClinVar contains an entry for this variant (Variation ID: 568246). An algorithm developed to predict the effect of missense changes on protein structure and function (PolyPhen-2) suggests that this variant is likely to be tolerated. In summary, the available evidence is currently insufficient to determine the role of this variant in disease. Therefore, it has been classified as a Variant of Uncertain Significance.

Ambry Genetics
Classification: Likely benign for Hereditary cancer-predisposing syndrome. Last evaluated: 2024-03-24. Review status: criteria provided, single submitter. Criteria: Ambry Variant Classification Scheme 2023. Collection method: clinical testing. Allele origin: germline.

NM_002485.5(NBN):c.1670C>T (p.Ala557Val)

Gene: NBN (nibrin; minus strand). Cytogenetic location: 8q21.3.
Variant type: single nucleotide variant.
Coding change: c.1670C>T on transcript NM_002485.5 (MANE Select); coding-DNA position 1670, C replaced by T.
Protein change: p.Ala557Val; replaces alanine 557 with valine.
Molecular consequence: missense variant.
Genome position (GRCh38, 1-based): chr8:89,953,419, G>A on the plus strand (C>T on the coding strand, the complement: NBN is on the minus strand). VCF-style: chr8-89953419-G-A. GRCh37 (hg19) VCF-style: chr8-90965647-G-A.
Other names: c.1424C>T, p.Ala475Val (NM_001024688.3); short protein forms A557V, A475V.
Identifiers: ClinVar variation 568246 (VCV000568246.12), dbSNP rs1286743873, ClinGen allele CA371655353.